The following is an entry in ClinVar:

ClinVar aggregate classification (germline): Likely pathogenic (1 of 4 stars; one submission).

Allele frequency attached by ClinVar (database versions not stated): gnomAD exomes below 0.00001; ExAC 0.00001; TOPMed 0.00001.

Submission:

Labcorp Genetics (formerly Invitae), Labcorp
Classification: Likely pathogenic. Last evaluated: 2023-03-14. Review status: criteria provided, single submitter. Criteria: Invitae Variant Classification Sherloc (09022015). Collection method: clinical testing. Allele origin: germline.
Comment: Advanced modeling of protein sequence and biophysical properties (such as structural, functional, and spatial information, amino acid conservation, physicochemical variation, residue mobility, and thermodynamic stability) performed at Invitae indicates that this missense variant is expected to disrupt AGXT protein function. This sequence change replaces serine, which is neutral and polar, with isoleucine, which is neutral and non-polar, at codon 275 of the AGXT protein (p.Ser275Ile). This variant is present in population databases (rs767607960, gnomAD 0.0009%). This variant has not been reported in the literature in individuals affected with AGXT-related conditions. ClinVar contains an entry for this variant (Variation ID: 1519263). This variant disrupts the p.Ser275 amino acid residue in AGXT. Other variant(s) that disrupt this residue have been determined to be pathogenic (PMID: 32556641). This suggests that this residue is clinically significant, and that variants that disrupt this residue are likely to be disease-causing. In summary, the currently available evidence indicates that the variant is pathogenic, but additional data are needed to prove that conclusively. Therefore, this variant has been classified as Likely Pathogenic.

Literature cited by the submitters: PubMed 32556641.

NM_000030.3(AGXT):c.824G>T (p.Ser275Ile)

Gene: AGXT (alanine--glyoxylate aminotransferase; plus strand). Cytogenetic location: 2q37.3.
Variant type: single nucleotide variant.
Coding change: c.824G>T on transcript NM_000030.3 (MANE Select); coding-DNA position 824, G replaced by T.
Protein change: p.Ser275Ile; replaces serine 275 with isoleucine.
Molecular consequence: missense variant.
Genome position (GRCh38, 1-based): chr2:240,875,982, G>T. VCF-style: chr2-240875982-G-T. GRCh37 (hg19) VCF-style: chr2-241815399-G-T.
Other names: short protein forms S275I.
Identifiers: ClinVar variation 1519263 (VCV001519263.6), dbSNP rs767607960, ClinGen allele CA2209271.